The following is an entry in ClinVar:

ClinVar aggregate classification (germline): Uncertain significance. Review status: criteria provided, multiple submitters, no conflicts (2 of 4 stars). 2 submissions from 2 submitters: Uncertain significance (2). Last evaluated 2025-01-24.

Conditions:
Hereditary cancer-predisposing syndrome. Also called: Neoplastic Syndromes, Hereditary; Hereditary neoplastic syndrome; Tumor predisposition; Hereditary Cancer Syndrome. Identifiers: Orphanet 140162, MedGen C0027672, MeSH D009386, MONDO:0015356.
Carney-Stratakis syndrome. Also called: PARAGANGLIOMA AND GASTROINTESTINAL STROMAL TUMOR. Identifiers: Orphanet 97286, MedGen C1847319, MONDO:0011740, OMIM 606864.
Paragangliomas with sensorineural hearing loss. Identifiers: MedGen C1868633.
Pheochromocytoma. Also called: MAX-Related Hereditary Paraganglioma-Pheochromocytoma Syndrome. Identifiers: Orphanet 29072, MedGen C0031511, MONDO:0008233, OMIM 171300, HP:0002666.
Cowden syndrome 3 (CWS3). Identifiers: Orphanet 201, MedGen CN166604, MONDO:0014045.

Submissions (2):

Labcorp Genetics (formerly Invitae), Labcorp
Classification: Uncertain significance for Carney-Stratakis syndrome; Paragangliomas with sensorineural hearing loss; Pheochromocytoma; Cowden syndrome 3. Last evaluated: 2025-01-24. Review status: criteria provided, single submitter. Criteria: Invitae Variant Classification Sherloc (09022015). Collection method: clinical testing. Allele origin: germline.
Comment: This sequence change replaces glycine, which is neutral and non-polar, with aspartic acid, which is acidic and polar, at codon 16 of the SDHD protein (p.Gly16Asp). This variant is not present in population databases (gnomAD no frequency). This variant has not been reported in the literature in individuals affected with SDHD-related conditions. ClinVar contains an entry for this variant (Variation ID: 2929227). Invitae Evidence Modeling of protein sequence and biophysical properties (such as structural, functional, and spatial information, amino acid conservation, physicochemical variation, residue mobility, and thermodynamic stability) indicates that this missense variant is not expected to disrupt SDHD protein function with a negative predictive value of 80%. In summary, the available evidence is currently insufficient to determine the role of this variant in disease. Therefore, it has been classified as a Variant of Uncertain Significance.

Ambry Genetics
Classification: Uncertain significance for Hereditary cancer-predisposing syndrome. Last evaluated: 2024-06-13. Review status: criteria provided, single submitter. Criteria: Ambry Variant Classification Scheme 2023. Collection method: clinical testing. Allele origin: germline.
Comment: The p.G16D variant (also known as c.47G>A), located in coding exon 1 of the SDHD gene, results from a G to A substitution at nucleotide position 47. The glycine at codon 16 is replaced by aspartic acid, an amino acid with similar properties. This amino acid position is not well conserved in available vertebrate species. In addition, this alteration is predicted to be deleterious by in silico analysis. Based on the available evidence, the clinical significance of this variant remains unclear.

NM_003002.4(SDHD):c.47G>A (p.Gly16Asp)

Genes: SDHD (succinate dehydrogenase complex subunit D; plus strand), LOC126861339 (BRD4-independent group 4 enhancer GRCh37_chr11:111957035-111958234; plus strand). Cytogenetic location: 11q23.1.
Variant type: single nucleotide variant.
Coding change: c.47G>A on transcript NM_003002.4 (MANE Select); coding-DNA position 47, G replaced by A.
Protein change: p.Gly16Asp; replaces glycine 16 with aspartic acid.
Molecular consequence: missense variant. On other transcripts: non-coding transcript variant (1).
Genome position (GRCh38, 1-based): chr11:112,086,954, G>A. VCF-style: chr11-112086954-G-A. GRCh37 (hg19) VCF-style: chr11-111957678-G-A.
Other names: c.47G>A, p.Gly16Asp (NM_001276503.2, NM_001276504.2, NM_001276506.2); c.47G>A (NM_003002.2); short protein forms G16D.
Identifiers: ClinVar variation 2929227 (VCV002929227.4), dbSNP rs2135264810, ClinGen allele CA382616752.